The following is an entry in ClinVar:

NM_001349338.3(FOXP1):c.-297-1G>A

Gene: FOXP1 (forkhead box P1; minus strand). Cytogenetic location: 3p13.
Variant type: single nucleotide variant.
Coding change: c.-297-1G>A on transcript NM_001349338.3 (MANE Select); the canonical splice acceptor site of the intron before 297 bases upstream of the start codon, G replaced by A.
Molecular consequence: splice acceptor variant.
Genome position (GRCh38, 1-based): chr3:71,493,556, C>T on the plus strand (G>A on the coding strand, the complement: FOXP1 is on the minus strand). VCF-style: chr3-71493556-C-T. GRCh37 (hg19) VCF-style: chr3-71542707-C-T.
Other names: c.-297-1G>A (NM_001244810.2, NM_032682.6, NM_001349341.3 and 3 more transcripts); c.-202-1G>A (NM_001349340.3).
Identifiers: ClinVar variation 3767622 (VCV003767622.2).
Genomic context (GRCh38, chr3:71,493,556, plus strand): 5'-TCACCATTGCCGAAATGTTTTGTTCGGAAACTGGAATTGTCAACAAAAGCTTCTGGGACA[C>T]TGCAACACAAAAATATTTTTTACACATAACTAAGATGTAACTTCTAAAACCACCACTTCC-3'

ClinVar aggregate classification (germline): Uncertain significance (1 of 4 stars; one submission).

Submission:

GeneDx
Classification: Uncertain significance. Last evaluated: 2026-04-10. Review status: criteria provided, single submitter. Criteria: GeneDx Variant Classification Process June 2021. Collection method: clinical testing. Allele origin: germline.
Comment: In silico analysis supports a deleterious effect on splicing; No data available from control populations to assess the frequency of this variant; Located in a regulatory region; in the absence of functional studies, the actual effect of this sequence change is unknown; Has not been previously published as pathogenic or benign to our knowledge